The following is an entry in ClinVar:

NM_003036.4(SKI):c.542A>G (p.Asp181Gly)

Gene: SKI (SKI proto-oncogene; plus strand). Cytogenetic location: 1p36.33.
Variant type: single nucleotide variant.
Coding change: c.542A>G on transcript NM_003036.4 (MANE Select); coding-DNA position 542, A replaced by G.
Protein change: p.Asp181Gly; replaces aspartic acid 181 with glycine.
Molecular consequence: missense variant.
Genome position (GRCh38, 1-based): chr1:2,229,308, A>G. VCF-style: chr1-2229308-A-G. GRCh37 (hg19) VCF-style: chr1-2160747-A-G.
Other names: short protein forms D181G.
Identifiers: ClinVar variation 3633452 (VCV003633452.2).

ClinVar aggregate classification (germline): Uncertain significance (1 of 4 stars; one submission).

Conditions:
Shprintzen-Goldberg syndrome (SGS). Also called: Marfanoid disorder with craniosynostosis type 1; Marfanoid craniosynostosis syndrome; Shprintzen-Goldberg marfanoid syndrome; SHPRINTZEN-GOLDBERG CRANIOSYNOSTOSIS SYNDROME; CRANIOSYNOSTOSIS WITH ARACHNODACTYLY AND ABDOMINAL HERNIAS. Identifiers: Orphanet 2462, MedGen C1321551, MONDO:0008426, OMIM 182212.

Submission:

Labcorp Genetics (formerly Invitae), Labcorp
Classification: Uncertain significance for Shprintzen-Goldberg syndrome. Last evaluated: 2024-06-30. Review status: criteria provided, single submitter. Criteria: Invitae Variant Classification Sherloc (09022015). Collection method: clinical testing. Allele origin: germline.
Comment: This sequence change replaces aspartic acid, which is acidic and polar, with glycine, which is neutral and non-polar, at codon 181 of the SKI protein (p.Asp181Gly). This variant is not present in population databases (gnomAD no frequency). This variant has not been reported in the literature in individuals affected with SKI-related conditions. Advanced modeling of protein sequence and biophysical properties (such as structural, functional, and spatial information, amino acid conservation, physicochemical variation, residue mobility, and thermodynamic stability) performed at Invitae indicates that this missense variant is expected to disrupt SKI protein function with a positive predictive value of 95%. In summary, the available evidence is currently insufficient to determine the role of this variant in disease. Therefore, it has been classified as a Variant of Uncertain Significance.